The following is an entry in ClinVar:

ClinVar aggregate classification (germline): Uncertain significance (1 of 4 stars; one submission).

Conditions:
Inborn genetic diseases. Identifiers: MedGen C0950123, MeSH D030342.

Submission:

Ambry Genetics
Classification: Uncertain significance for Inborn genetic diseases. Last evaluated: 2021-08-24. Review status: criteria provided, single submitter. Criteria: Ambry Variant Classification Scheme 2023. Collection method: clinical testing. Allele origin: germline.
Comment: The p.M286T variant (also known as c.857T>C), located in coding exon 4 of the PIK3CA gene, results from a T to C substitution at nucleotide position 857. The methionine at codon 286 is replaced by threonine, an amino acid with similar properties. This amino acid position is conserved. In addition, the in silico prediction for this alteration is inconclusive. Since supporting evidence is limited at this time, the clinical significance of this alteration remains unclear.

NM_006218.4(PIK3CA):c.857T>C (p.Met286Thr)

Gene: PIK3CA (phosphatidylinositol-4,5-bisphosphate 3-kinase catalytic subunit alpha; plus strand). Cytogenetic location: 3q26.32.
Variant type: single nucleotide variant.
Coding change: c.857T>C on transcript NM_006218.4 (MANE Select); coding-DNA position 857, T replaced by C.
Protein change: p.Met286Thr; replaces methionine 286 with threonine.
Molecular consequence: missense variant.
Genome position (GRCh38, 1-based): chr3:179,203,587, T>C. VCF-style: chr3-179203587-T-C. GRCh37 (hg19) VCF-style: chr3-178921375-T-C.
Other names: short protein forms M286T.
Identifiers: ClinVar variation 1763920 (VCV001763920.2), dbSNP rs2108392643, ClinGen allele CA355279900.
Genomic context (GRCh38, chr3:179,203,587, plus strand): 5'-CCCTTAATCTCTTACAGTATATAAGAAGCTGTATAATGCTTGGGAGGATGCCCAATTTGA[T>C]GTTGATGGCTAAAGAAAGCCTTTATTCTCAACTGCCAATGGACTGTTTTACAATGCCATC-3'
Protein context (NP_006209.2, residues 276-296): CIMLGRMPNL[Met286Thr]LMAKESLYSQ